The following is an entry in ClinVar:

ClinVar aggregate classification (germline): Uncertain significance (1 of 4 stars; one submission).

Conditions:
Familial cancer of breast. Also called: hereditary breast carcinoma; BREAST CANCER, FAMILIAL; Hereditary breast cancer. Identifiers: Orphanet 227535, MedGen C0346153, MONDO:0016419, OMIM 114480. Disease mechanism: loss of function.

Submission:

Labcorp Genetics (formerly Invitae), Labcorp
Classification: Uncertain significance for Familial cancer of breast. Last evaluated: 2024-02-13. Review status: criteria provided, single submitter. Criteria: Invitae Variant Classification Sherloc (09022015). Collection method: clinical testing. Allele origin: germline.
Comment: This variant, c.604_606del, results in the deletion of 1 amino acid(s) of the CHEK2 protein (p.Phe202del), but otherwise preserves the integrity of the reading frame. This variant is not present in population databases (gnomAD no frequency). This variant has not been reported in the literature in individuals affected with CHEK2-related conditions. ClinVar contains an entry for this variant (Variation ID: 1470162). Experimental studies and prediction algorithms are not available or were not evaluated, and the functional significance of this variant is currently unknown. In summary, the available evidence is currently insufficient to determine the role of this variant in disease. Therefore, it has been classified as a Variant of Uncertain Significance.

NM_007194.4(CHEK2):c.604_606del (p.Phe202del)

Gene: CHEK2 (checkpoint kinase 2; minus strand). Cytogenetic location: 22q12.1.
Variant type: Deletion.
Coding change: c.604_606del on transcript NM_007194.4 (MANE Select); coding-DNA positions 604 to 606, 3 bases deleted (TTT; older notation c.604_606delTTT).
Protein change: p.Phe202del; deletes phenylalanine 202.
Molecular consequence: inframe deletion. On other transcripts: 5 prime UTR variant (2), intron variant (1).
Genome position (GRCh38, 1-based): chr22:28,719,472-28,719,474, AAA deleted on the plus strand (TTT on the coding strand, the reverse complement: CHEK2 is on the minus strand); deleting any 3 consecutive bases within chr22:28,719,472-28,719,477 gives the same sequence; the c. name uses the placement nearest the transcript's 3' end. VCF-style (leftmost placement, unchanged base first): chr22-28719471-CAAA-C. GRCh37 (hg19) VCF-style: chr22-29115459-CAAA-C.
Other names: c.733_735del, p.Phe245del (NM_001005735.3, NM_001438294.1); c.-60_-58del (NM_001257387.3, NM_001437942.1); c.697_699del, p.Phe233del (NM_001438293.1, NM_001438295.1); c.604_606del, p.Phe202del (NM_145862.3); c.482+5412_482+5414del (NM_001349956.3); short protein forms F245del, F202del, F233del.
Identifiers: ClinVar variation 1470162 (VCV001470162.9), dbSNP rs886039609, ClinGen allele CA2573158050.